The following is an entry in ClinVar:

NM_001958.5(EEF1A2):c.778G>A (p.Gly260Ser)

Gene: EEF1A2 (eukaryotic translation elongation factor 1 alpha 2; minus strand). Cytogenetic location: 20q13.33.
Variant type: single nucleotide variant.
Coding change: c.778G>A on transcript NM_001958.5 (MANE Select); coding-DNA position 778, G replaced by A.
Protein change: p.Gly260Ser; replaces glycine 260 with serine.
Molecular consequence: missense variant.
Genome position (GRCh38, 1-based): chr20:63,490,730, C>T on the plus strand (G>A on the coding strand, the complement: EEF1A2 is on the minus strand). VCF-style: chr20-63490730-C-T. GRCh37 (hg19) VCF-style: chr20-62122083-C-T.
Other names: short protein forms G260S.
Identifiers: ClinVar variation 1760636 (VCV001760636.2), dbSNP rs2516775550, ClinGen allele CA409648111.

ClinVar aggregate classification (germline): Uncertain significance (1 of 4 stars; one submission).

Conditions:
Inborn genetic diseases. Identifiers: MedGen C0950123, MeSH D030342.

Submission:

Ambry Genetics
Classification: Uncertain significance for Inborn genetic diseases. Last evaluated: 2020-08-04. Review status: criteria provided, single submitter. Criteria: Ambry Variant Classification Scheme 2023. Collection method: clinical testing. Allele origin: germline.
Comment: The p.G260S variant (also known as c.778G>A), located in coding exon 5 of the EEF1A2 gene, results from a G to A substitution at nucleotide position 778. The glycine at codon 260 is replaced by serine, an amino acid with similar properties. This amino acid position is highly conserved in available vertebrate species. In addition, this alteration is predicted to be deleterious by in silico analysis. Since supporting evidence is limited at this time, the clinical significance of this alteration remains unclear.